The following is an entry in ClinVar:

NM_024675.4(PALB2):c.3532G>T (p.Gly1178Ter)

Gene: PALB2 (partner and localizer of BRCA2; minus strand). Cytogenetic location: 16p12.2.
Variant type: single nucleotide variant.
Coding change: c.3532G>T on transcript NM_024675.4 (MANE Select); coding-DNA position 3532, G replaced by T.
Protein change: p.Gly1178Ter; replaces glycine 1178 with a stop codon.
Molecular consequence: nonsense. On other transcripts: 3 prime UTR variant (5).
Genome position (GRCh38, 1-based): chr16:23,603,488, C>A on the plus strand (G>T on the coding strand, the complement: PALB2 is on the minus strand). VCF-style: chr16-23603488-C-A. GRCh37 (hg19) VCF-style: chr16-23614809-C-A.
Other names: c.3472G>T, p.Gly1158Ter (NM_001407296.1); c.3460G>T, p.Gly1154Ter (NM_001407297.1); c.3370G>T, p.Gly1124Ter (NM_001407298.1); c.3295G>T, p.Gly1099Ter (NM_001407299.1); c.3253G>T, p.Gly1085Ter (NM_001407300.1); c.*167G>T (NM_001407301.1, NM_001407302.1, NM_001407310.1 and 2 more transcripts); c.2647G>T, p.Gly883Ter (NM_001407304.1, NM_001407305.1, NM_001407306.1); c.2485G>T, p.Gly829Ter (NM_001407307.1); and 3 more; short protein forms G1085*, G1099*, G1124*, G1154*, G1158*, G1178*, G356*, G582*.
Identifiers: ClinVar variation 4071447 (VCV004071447.1).

ClinVar aggregate classification (germline): Pathogenic (1 of 4 stars; one submission).

Conditions:
Familial cancer of breast. Also called: hereditary breast carcinoma; BREAST CANCER, FAMILIAL; Hereditary breast cancer. Identifiers: Orphanet 227535, MedGen C0346153, MONDO:0016419, OMIM 114480. Disease mechanism: loss of function.

Submission:

Myriad Genetics, Inc.
Classification: Pathogenic for Familial cancer of breast. Last evaluated: 2025-06-11. Review status: criteria provided, single submitter. Criteria: Myriad Autosomal Dominant, Autosomal Recessive and X-Linked Classification Criteria (2023). Collection method: clinical testing. Allele origin: unknown.
Comment: This variant is considered pathogenic. This variant creates a termination codon and is predicted to result in premature protein truncation.